The following is an entry in ClinVar:

NM_178012.5(TUBB2B):c.244G>A (p.Gly82Ser)

Gene: TUBB2B (tubulin beta 2B class IIb; minus strand). Cytogenetic location: 6p25.2.
Variant type: single nucleotide variant.
Coding change: c.244G>A on transcript NM_178012.5 (MANE Select); coding-DNA position 244, G replaced by A.
Protein change: p.Gly82Ser; replaces glycine 82 with serine.
Molecular consequence: missense variant.
Genome position (GRCh38, 1-based): chr6:3,226,192, C>T on the plus strand (G>A on the coding strand, the complement: TUBB2B is on the minus strand). VCF-style: chr6-3226192-C-T. GRCh37 (hg19) VCF-style: chr6-3226426-C-T.
Other names: short protein forms G82S.
Identifiers: ClinVar variation 1806517 (VCV001806517.2), dbSNP rs766214058, ClinGen allele CA3619230.

ClinVar aggregate classification (germline): Uncertain significance (1 of 4 stars; one submission).

Allele frequency attached by ClinVar (database versions not stated): ExAC 0.00001.

Submission:

GeneDx
Classification: Uncertain significance. Last evaluated: 2025-05-20. Review status: criteria provided, single submitter. Criteria: GeneDx Variant Classification Process June 2021. Collection method: clinical testing. Allele origin: germline. Affected: yes.
Comment: Reported previously as a de novo variant in a patient from an autism cohort; however, no further clinical information was provided and the patient harbored another de novo variant in a different gene (PMID: 35982159); Missense variants in this gene are a common cause of disease and they are underrepresented in the general population; In silico analysis supports that this missense variant has a deleterious effect on protein structure/function; This variant is associated with the following publications: (PMID: 24860126, 35982159)